The following is an entry in ClinVar:

ClinVar aggregate classification (germline): Pathogenic (1 of 4 stars; one submission).

Submission:

Labcorp Genetics (formerly Invitae), Labcorp
Classification: Pathogenic. Last evaluated: 2024-03-12. Review status: criteria provided, single submitter. Criteria: Invitae Variant Classification Sherloc (09022015). Collection method: clinical testing. Allele origin: germline.
Comment: This sequence change creates a premature translational stop signal (p.Trp833*) in the NFKB1 gene. It is expected to result in an absent or disrupted protein product. Loss-of-function variants in NFKB1 are known to be pathogenic (PMID: 26279205, 29477724). This variant is not present in population databases (gnomAD no frequency). This variant has not been reported in the literature in individuals affected with NFKB1-related conditions. For these reasons, this variant has been classified as Pathogenic.

Literature cited by the submitters: PubMed 26279205; PubMed 29477724.

NM_003998.4(NFKB1):c.2498G>A (p.Trp833Ter)

Gene: NFKB1 (nuclear factor kappa B subunit 1; plus strand). Cytogenetic location: 4q24.
Variant type: single nucleotide variant.
Coding change: c.2498G>A on transcript NM_003998.4 (MANE Select); coding-DNA position 2498, G replaced by A.
Protein change: p.Trp833Ter; replaces tryptophan 833 with a stop codon.
Molecular consequence: nonsense.
Genome position (GRCh38, 1-based): chr4:102,612,512, G>A. VCF-style: chr4-102612512-G-A. GRCh37 (hg19) VCF-style: chr4-103533669-G-A.
Other names: c.2495G>A, p.Trp832Ter (NM_001165412.2, NM_001319226.2, NM_001382627.1); c.2498G>A, p.Trp833Ter (NM_001382625.1, NM_001382626.1); c.2456G>A, p.Trp819Ter (NM_001382628.1); short protein forms W833*, W819*, W832*.
Identifiers: ClinVar variation 3645527 (VCV003645527.2).
Genomic context (GRCh38, chr4:102,612,512, plus strand): 5'-CTGAAGATGTGAAGCTGCAGCTGTATAAGTTACTAGAAATTCCTGATCCAGACAAAAACT[G>A]GGCTACTCTGGCGCAGAAATTAGGTCTGGGGATACTTAATAATGCCTTCCGGCTGAGTCC-3'